The following is an entry in ClinVar:

ClinVar aggregate classification (germline): Benign (0 of 4 stars; one submission).

Conditions:
NRCAM-related disorder.

Allele frequency attached by ClinVar (database versions not stated): TOPMed 0.00001; gnomAD 0.00025; gnomAD exomes 0.00058; ExAC 0.00170; 1000 Genomes Project 30x 0.00265; 1000 Genomes Project 0.00280.
gnomAD v4.1: 853 of 1,565,156 alleles (0.054%); highest among the groups gnomAD compares: South Asian, 0.99%; 16 homozygotes.

Submission:

PreventionGenetics, part of Exact Sciences
Classification: Benign for NRCAM-related condition. Last evaluated: 2019-05-28. Review status: no assertion criteria provided. Collection method: clinical testing. Allele origin: germline.
Comment: This variant is classified as benign based on ACMG/AMP sequence variant interpretation guidelines (Richards et al. 2015 PMID: 25741868, with internal and published modifications).

NM_001037132.4(NRCAM):c.1075+4T>C

Gene: NRCAM (neuronal cell adhesion molecule; minus strand). Cytogenetic location: 7q31.1.
Variant type: single nucleotide variant.
Coding change: c.1075+4T>C on transcript NM_001037132.4 (MANE Select); 4 bases into the intron after coding-DNA position 1075, T replaced by C.
Molecular consequence: intron variant.
Genome position (GRCh38, 1-based): chr7:108,209,417, A>G on the plus strand (T>C on the coding strand, the complement: NRCAM is on the minus strand). VCF-style: chr7-108209417-A-G. GRCh37 (hg19) VCF-style: chr7-107849861-A-G.
Other names: c.1018+4T>C (NM_001371122.1, NM_001371124.1, NM_001371119.1 and 22 more transcripts); c.1075+4T>C (NM_001371123.1, NM_001371174.1, NM_001371150.1 and 13 more transcripts); c.1057+4T>C (NM_001371151.1, NM_001371175.1, NM_005010.5 and 9 more transcripts); c.730+4T>C (NM_001371164.1, NM_001371125.1, NM_001371143.1 and 2 more transcripts); c.787+4T>C (NM_001371148.1, NM_001371170.1, NM_001371180.1 and 1 more transcripts); c.148+4T>C (NM_001371137.1); c.1054+4T>C (NM_001371134.1); c.1072+4T>C (NM_001371127.1); and 1 more.
Identifiers: ClinVar variation 3038986 (VCV003038986.2), dbSNP rs547014629, ClinGen allele CA4439014.